The following is an entry in ClinVar:

ClinVar aggregate classification (germline): Pathogenic (1 of 4 stars; one submission).

Conditions:
Perlman syndrome (PRLMNS). Identifiers: Orphanet 2849, MedGen C0796113, MONDO:0009965, OMIM 267000.

Submission:

Labcorp Genetics (formerly Invitae), Labcorp
Classification: Pathogenic for Perlman syndrome. Last evaluated: 2023-05-15. Review status: criteria provided, single submitter. Criteria: Invitae Variant Classification Sherloc (09022015). Collection method: clinical testing. Allele origin: germline.
Comment: ClinVar contains an entry for this variant (Variation ID: 1376575). For these reasons, this variant has been classified as Pathogenic. This sequence change creates a premature translational stop signal (p.Glu524*) in the DIS3L2 gene. It is expected to result in an absent or disrupted protein product. Loss-of-function variants in DIS3L2 are known to be pathogenic (PMID: 22306653, 28328139). This variant is not present in population databases (gnomAD no frequency). This variant has not been reported in the literature in individuals affected with DIS3L2-related conditions.

Literature cited by the submitters: PubMed 22306653; PubMed 28328139.

NM_152383.5(DIS3L2):c.1570G>T (p.Glu524Ter)

Gene: DIS3L2 (DIS3 like 3'-5' exoribonuclease 2; plus strand). Cytogenetic location: 2q37.1.
Variant type: single nucleotide variant.
Coding change: c.1570G>T on transcript NM_152383.5 (MANE Select); coding-DNA position 1570, G replaced by T.
Protein change: p.Glu524Ter; replaces glutamic acid 524 with a stop codon.
Molecular consequence: nonsense. On other transcripts: non-coding transcript variant (2).
Genome position (GRCh38, 1-based): chr2:232,263,351, G>T. VCF-style: chr2-232263351-G-T. GRCh37 (hg19) VCF-style: chr2-233128061-G-T.
Other names: c.1570G>T, p.Glu524Ter (NM_001257281.2); short protein forms E524*.
Identifiers: ClinVar variation 1376575 (VCV001376575.6), dbSNP rs201308521, ClinGen allele CA350975548.
Genomic context (GRCh38, chr2:232,263,351, plus strand): 5'-CCAACTGAGAAAATCCCTGCGAAAGAGCTGCCCCCCATTTCCCCAGAGCATAGCAGCGAG[G>T]AGGTACACCAGGCCGTCTTGAATCTCCACGGAATTGCCAAGCAGTTACGCCAGCAGCGCT-3'